The following is an entry in ClinVar:

NM_000535.7(PMS2):c.2179C>T (p.Gln727Ter)

Gene: PMS2 (PMS1 homolog 2, mismatch repair system component; minus strand). Cytogenetic location: 7p22.1.
Variant type: single nucleotide variant.
Coding change: c.2179C>T on transcript NM_000535.7 (MANE Select); coding-DNA position 2179, C replaced by T.
Protein change: p.Gln727Ter; replaces glutamine 727 with a stop codon.
Molecular consequence: nonsense. On other transcripts: non-coding transcript variant (1).
Genome position (GRCh38, 1-based): chr7:5,978,692, G>A on the plus strand (C>T on the coding strand, the complement: PMS2 is on the minus strand). VCF-style: chr7-5978692-G-A. GRCh37 (hg19) VCF-style: chr7-6018323-G-A.
Other names: c.1774C>T, p.Gln592Ter (NM_001322003.2, NM_001322004.2, NM_001322005.2 and 1 more transcripts); c.2023C>T, p.Gln675Ter (NM_001322006.2); c.1861C>T, p.Gln621Ter (NM_001322007.2, NM_001322008.2); c.1618C>T, p.Gln540Ter (NM_001322010.2); c.1246C>T, p.Gln416Ter (NM_001322011.2, NM_001322012.2); c.1606C>T, p.Gln536Ter (NM_001322013.2); c.2179C>T, p.Gln727Ter (NM_001322014.2); c.1870C>T, p.Gln624Ter (NM_001322015.2); short protein forms Q416*, Q536*, Q540*, Q592*, Q621*, Q624*, Q675*, Q727*.
Identifiers: ClinVar variation 1068755 (VCV001068755.7), dbSNP rs786202202, ClinGen allele CA366736980.

ClinVar aggregate classification (germline): Pathogenic. Review status: criteria provided, multiple submitters, no conflicts (2 of 4 stars). 2 submissions from 2 submitters: Pathogenic (2). Last evaluated 2025-07-06.

Conditions:
Lynch syndrome 4 (LYNCH4). Also called: Colorectal cancer, hereditary nonpolyposis, type 4; Hereditary non-polyposis colorectal cancer, type 4. Identifiers: Orphanet 144, MedGen C1838333, MONDO:0013699, OMIM 614337. Disease mechanism: loss of function.
Hereditary nonpolyposis colorectal neoplasms. Identifiers: MedGen C0009405, MeSH D003123.

Submissions (2):

Labcorp Genetics (formerly Invitae), Labcorp
Classification: Pathogenic for Hereditary nonpolyposis colorectal neoplasms. Last evaluated: 2025-07-06. Review status: criteria provided, single submitter. Criteria: Invitae Variant Classification Sherloc (09022015). Collection method: clinical testing. Allele origin: germline.
Comment: This sequence change creates a premature translational stop signal (p.Gln727*) in the PMS2 gene. It is expected to result in an absent or disrupted protein product. Loss-of-function variants in PMS2 are known to be pathogenic (PMID: 21376568, 24362816). The frequency data for this variant in the population databases (gnomAD) is considered unreliable due to the presence of homologous sequence, such as pseudogenes or paralogs, in the genome. This variant has not been reported in the literature in individuals affected with PMS2-related conditions. ClinVar contains an entry for this variant (Variation ID: 1068755). For these reasons, this variant has been classified as Pathogenic.

Myriad Genetics, Inc.
Classification: Pathogenic for Lynch syndrome 4. Last evaluated: 2023-09-22. Review status: criteria provided, single submitter. Criteria: Myriad Autosomal Dominant, Autosomal Recessive and X-Linked Classification Criteria (2023). Collection method: clinical testing. Allele origin: unknown.
Comment: This variant is considered pathogenic. This variant creates a termination codon and is predicted to result in premature protein truncation.

Literature cited by the submitters: PubMed 21376568 (cited by Labcorp Genetics (formerly Invitae), Labcorp); PubMed 24362816 (cited by Labcorp Genetics (formerly Invitae), Labcorp).